The following is an entry in ClinVar:

NM_152703.5(SAMD9L):c.1165A>G (p.Met389Val)

Gene: SAMD9L (sterile alpha motif domain containing 9 like; minus strand). Cytogenetic location: 7q21.2.
Variant type: single nucleotide variant.
Coding change: c.1165A>G on transcript NM_152703.5 (MANE Select); coding-DNA position 1165, A replaced by G.
Protein change: p.Met389Val; replaces methionine 389 with valine.
Molecular consequence: missense variant.
Genome position (GRCh38, 1-based): chr7:93,134,807, T>C on the plus strand (A>G on the coding strand, the complement: SAMD9L is on the minus strand). VCF-style: chr7-93134807-T-C. GRCh37 (hg19) VCF-style: chr7-92764120-T-C.
Other names: c.1165A>G (NM_152703.3); c.1165A>G, p.Met389Val (NM_001303496.3, NM_001303497.3, NM_001303498.3 and 5 more transcripts); short protein forms M389V.
Identifiers: ClinVar variation 2205464 (VCV002205464.8), dbSNP rs749149745, ClinGen allele CA4343762.

ClinVar aggregate classification (germline): Uncertain significance. Review status: criteria provided, multiple submitters, no conflicts (2 of 4 stars). 3 submissions from 3 submitters: Uncertain significance (3). Last evaluated 2025-11-16.

Conditions:
Inborn genetic diseases. Identifiers: MedGen C0950123, MeSH D030342.

Allele frequency attached by ClinVar (database versions not stated): TOPMed 0.00002; ExAC 0.00003.

Submissions (3):

Labcorp Genetics (formerly Invitae), Labcorp
Classification: Uncertain significance. Last evaluated: 2025-11-16. Review status: criteria provided, single submitter. Criteria: Invitae Variant Classification Sherloc (09022015). Collection method: clinical testing. Allele origin: germline.
Comment: This sequence change replaces methionine, which is neutral and non-polar, with valine, which is neutral and non-polar, at codon 389 of the SAMD9L protein (p.Met389Val). This variant is present in population databases (rs749149745, gnomAD 0.02%). This variant has not been reported in the literature in individuals affected with SAMD9L-related conditions. ClinVar contains an entry for this variant (Variation ID: 2205464). Invitae Evidence Modeling of protein sequence and biophysical properties (such as structural, functional, and spatial information, amino acid conservation, physicochemical variation, residue mobility, and thermodynamic stability) indicates that this missense variant is not expected to disrupt SAMD9L protein function with a negative predictive value of 80%. In summary, the available evidence is currently insufficient to determine the role of this variant in disease. Therefore, it has been classified as a Variant of Uncertain Significance.

GeneDx
Classification: Uncertain significance. Last evaluated: 2024-12-23. Review status: criteria provided, single submitter. Criteria: GeneDx Variant Classification Process June 2021. Collection method: clinical testing. Allele origin: germline.
Comment: In silico analysis indicates that this missense variant does not alter protein structure/function; Has not been previously published as pathogenic or benign to our knowledge

Ambry Genetics
Classification: Uncertain significance for Inborn genetic diseases. Last evaluated: 2024-11-22. Review status: criteria provided, single submitter. Criteria: Ambry Variant Classification Scheme 2023. Collection method: clinical testing. Allele origin: germline.
Comment: The p.M389V variant (also known as c.1165A>G), located in coding exon 1 of the SAMD9L gene, results from an A to G substitution at nucleotide position 1165. The methionine at codon 389 is replaced by valine, an amino acid with highly similar properties. This amino acid position is conserved. In addition, this alteration is predicted to be tolerated by in silico analysis. Based on the available evidence, the clinical significance of this variant remains unclear.